The following is an entry in ClinVar:

NM_001129.5(AEBP1):c.2880C>T (p.Tyr960=)

Gene: AEBP1 (AE binding protein 1; plus strand). Cytogenetic location: 7p13.
Variant type: single nucleotide variant.
Coding change: c.2880C>T on transcript NM_001129.5 (MANE Select); coding-DNA position 2880, C replaced by T.
Protein change: p.Tyr960=; no amino-acid change (tyrosine 960 retained).
Molecular consequence: synonymous variant.
Genome position (GRCh38, 1-based): chr7:44,113,664, C>T. VCF-style: chr7-44113664-C-T. GRCh37 (hg19) VCF-style: chr7-44153263-C-T.
Identifiers: ClinVar variation 4823265 (VCV004823265.4).

ClinVar aggregate classification (germline): Likely benign (1 of 4 stars; one submission).

gnomAD v4.1: 14 of 1,613,922 alleles (0.00087%); highest among the groups gnomAD compares: South Asian, 0.014%; no homozygotes.

Submission:

CeGaT Center for Human Genetics Tuebingen
Classification: Likely benign. Last evaluated: 2026-02-01. Review status: criteria provided, single submitter. Criteria: CeGaT Center For Human Genetics Tuebingen Variant Classification Criteria Version 2. Collection method: clinical testing. Allele origin: germline. Affected: yes. Observed: 1 variant allele.
Comment: AEBP1: BP4, BP7